The following is an entry in ClinVar:

ClinVar aggregate classification (germline): Likely benign. Review status: criteria provided, single submitter (1 of 4 stars). 2 submissions from 2 submitters: Likely benign (1). 1 of the submissions does not count toward it. Last evaluated 2024-08-02.

Conditions:
FAM83H-related disorder. Also called: FAM83H-related condition.

Submissions (2):

Blueprint Genetics
Classification: Likely benign. Last evaluated: 2024-08-02. Review status: criteria provided, single submitter. Criteria: ACMG Guidelines, 2015. Collection method: clinical testing. Allele origin: germline.

PreventionGenetics, part of Exact Sciences
Classification: Likely benign for FAM83H-related condition. Last evaluated: 2020-03-02. Review status: no assertion criteria provided. Collection method: clinical testing. Allele origin: germline. Not counted in ClinVar's aggregate classification.
Comment: This variant is classified as likely benign based on ACMG/AMP sequence variant interpretation guidelines (Richards et al. 2015 PMID: 25741868, with internal and published modifications).

NM_198488.5(SACK1H):c.738-5dup

Gene: SACK1H (scaffolding CK1 anchoring protein H; minus strand). Cytogenetic location: 8q24.3.
Variant type: Duplication.
Coding change: c.738-5dup on transcript NM_198488.5 (MANE Select); 5 bases into the intron before coding-DNA position 738, one base duplicated (C; older notation c.738-5dupC).
Molecular consequence: intron variant.
Genome position (GRCh38, 1-based): chr8:143,728,728, G duplicated on the plus strand (C on the coding strand, the reverse complement: SACK1H is on the minus strand); the first of 7 consecutive G bases (chr8:143,728,728-143,728,734); duplicating any one gives the same sequence. VCF-style (leftmost placement, unchanged base first): chr8-143728727-T-TG. GRCh37 (hg19) VCF-style: chr8-144810897-T-TG.
Identifiers: ClinVar variation 3046273 (VCV003046273.3), dbSNP rs373392885, ClinGen allele CA4917594.